The following is an entry in ClinVar:

NM_000548.5(TSC2):c.1006T>C (p.Tyr336His)

Gene: TSC2 (TSC complex subunit 2; plus strand). Cytogenetic location: 16p13.3.
Variant type: single nucleotide variant.
Coding change: c.1006T>C on transcript NM_000548.5 (MANE Select); coding-DNA position 1006, T replaced by C.
Protein change: p.Tyr336His; replaces tyrosine 336 with histidine.
Molecular consequence: missense variant.
Genome position (GRCh38, 1-based): chr16:2,060,700, T>C. VCF-style: chr16-2060700-T-C. GRCh37 (hg19) VCF-style: chr16-2110701-T-C.
Other names: c.1006T>C, p.Tyr336His (NM_001077183.3, NM_001114382.3, NM_001363528.2 and 3 more transcripts); c.895T>C, p.Tyr299His (NM_001318827.2); c.859T>C, p.Tyr287His (NM_001318829.2); c.406T>C, p.Tyr136His (NM_001318831.2); c.1039T>C, p.Tyr347His (NM_001318832.2); short protein forms Y136H, Y287H, Y299H, Y347H, Y336H.
Identifiers: ClinVar variation 935044 (VCV000935044.8), dbSNP rs2086522579, ClinGen allele CA394317411.
Genomic context (GRCh38, chr16:2,060,700, plus strand): 5'-CCCTGTGTGCTGGCCGGGCTCGTGTTCCAGGCCATGGCATGTCCGAACGAGGTGGTGTCC[T>C]ATGAGATCGTCCTGTCCATCACCAGGCTCATCAAGAAGTATAGGAAGGAGCTCCAGGTGG-3'
Protein context (NP_000539.2, residues 326-346): AMACPNEVVS[Tyr336His]EIVLSITRLI

ClinVar aggregate classification (germline): Uncertain significance. Review status: criteria provided, multiple submitters, no conflicts (2 of 4 stars). 2 submissions from 2 submitters: Uncertain significance (2). Last evaluated 2024-05-14.

Conditions:
Tuberous sclerosis syndrome (TSC). Also called: Tuberous sclerosis; Tuberous Sclerosis Complex. Identifiers: Orphanet 805, MedGen C0041341, MONDO:0001734.
Tuberous sclerosis 2 (TSC2). Identifiers: Orphanet 805, MedGen C1860707, MONDO:0013199, OMIM 613254.

Submissions (2):

All of Us Research Program, National Institutes of Health
Classification: Uncertain significance for Tuberous sclerosis syndrome. Last evaluated: 2024-05-14. Review status: criteria provided, single submitter. Criteria: ACMG Guidelines, 2015. Collection method: clinical testing. Allele origin: germline. Inheritance: Autosomal dominant inheritance. Observed: 1 variant allele, 1 heterozygote.
Comment: This missense variant replaces tyrosine with histidine at codon 336 of the TSC2 protein. Computational prediction suggests that this variant may have deleterious impact on protein structure and function (internally defined REVEL score threshold >= 0.7, PMID: 27666373). To our knowledge, functional studies have not been reported for this variant. This variant has not been reported in individuals affected with TSC2-related disorders in the literature. This variant has not been identified in the general population by the Genome Aggregation Database (gnomAD). The available evidence is insufficient to determine the role of this variant in disease conclusively. Therefore, this variant is classified as a Variant of Uncertain Significance.

This study involves interpretation of variants in research participants for the purpose of population health screening. Participant phenotype was not available at the time of variant classification. Additional details can be found in publication PMID: 35346344, PMCID: PMC8962531

Labcorp Genetics (formerly Invitae), Labcorp
Classification: Uncertain significance for Tuberous sclerosis 2. Last evaluated: 2023-10-06. Review status: criteria provided, single submitter. Criteria: Invitae Variant Classification Sherloc (09022015). Collection method: clinical testing. Allele origin: germline.
Comment: This sequence change replaces tyrosine, which is neutral and polar, with histidine, which is basic and polar, at codon 336 of the TSC2 protein (p.Tyr336His). This variant is not present in population databases (gnomAD no frequency). This variant has not been reported in the literature in individuals affected with TSC2-related conditions. ClinVar contains an entry for this variant (Variation ID: 935044). Advanced modeling of protein sequence and biophysical properties (such as structural, functional, and spatial information, amino acid conservation, physicochemical variation, residue mobility, and thermodynamic stability) performed at Invitae indicates that this missense variant is not expected to disrupt TSC2 protein function. In summary, the available evidence is currently insufficient to determine the role of this variant in disease. Therefore, it has been classified as a Variant of Uncertain Significance.